The following is an entry in ClinVar:

NM_000264.5(PTCH1):c.2090T>C (p.Leu697Pro)

Genes: PTCH1 (patched 1; minus strand), LOC100507346 (uncharacterized LOC100507346; plus strand). Cytogenetic location: 9q22.32.
Variant type: single nucleotide variant.
Coding change: c.2090T>C on transcript NM_000264.5 (MANE Select); coding-DNA position 2090, T replaced by C.
Protein change: p.Leu697Pro; replaces leucine 697 with proline.
Molecular consequence: missense variant. On other transcripts: non-coding transcript variant (2).
Genome position (GRCh38, 1-based): chr9:95,468,911, A>G on the plus strand (T>C on the coding strand, the complement: PTCH1 is on the minus strand). VCF-style: chr9-95468911-A-G. GRCh37 (hg19) VCF-style: chr9-98231193-A-G.
Other names: c.1892T>C, p.Leu631Pro (NM_001083602.3); c.2087T>C, p.Leu696Pro (NM_001083603.3); c.1637T>C, p.Leu546Pro (NM_001083604.3, NM_001083605.3, NM_001083606.3 and 1 more transcripts); c.1934T>C, p.Leu645Pro (NM_001354918.2); short protein forms L546P, L631P, L645P, L696P, L697P.
Identifiers: ClinVar variation 1717770 (VCV001717770.6), dbSNP rs199892130, ClinGen allele CA374115680.

ClinVar aggregate classification (germline): Uncertain significance (1 of 4 stars; one submission).

Conditions:
Gorlin syndrome. Also called: Nevoid Basal Cell Carcinoma Syndrome; Basal cell nevus syndrome. Identifiers: Orphanet 377, MedGen C0004779, MONDO:0007187.

Submission:

Labcorp Genetics (formerly Invitae), Labcorp
Classification: Uncertain significance for Gorlin syndrome. Last evaluated: 2022-08-22. Review status: criteria provided, single submitter. Criteria: Invitae Variant Classification Sherloc (09022015). Collection method: clinical testing. Allele origin: germline.
Comment: In summary, the available evidence is currently insufficient to determine the role of this variant in disease. Therefore, it has been classified as a Variant of Uncertain Significance. Advanced modeling of protein sequence and biophysical properties (such as structural, functional, and spatial information, amino acid conservation, physicochemical variation, residue mobility, and thermodynamic stability) performed at Invitae indicates that this missense variant is not expected to disrupt PTCH1 protein function. This variant has not been reported in the literature in individuals affected with PTCH1-related conditions. This variant is not present in population databases (gnomAD no frequency). This sequence change replaces leucine, which is neutral and non-polar, with proline, which is neutral and non-polar, at codon 697 of the PTCH1 protein (p.Leu697Pro).